The following continues an entry in ClinVar:

NM_000088.4(COL1A1):c.3505G>A (p.Gly1169Ser)

Gene: COL1A1. ClinVar aggregate classification (germline): Pathogenic/Likely pathogenic. Pathogenic (12); Likely pathogenic (2).

Submissions 10 to 15 of 15:

Victorian Clinical Genetics Services, Murdoch Childrens Research Institute
Classification: Pathogenic for Osteogenesis imperfecta type I. Last evaluated: 2022-02-02. Review status: criteria provided, single submitter. Criteria: ACMG Guidelines, 2015. Collection method: clinical testing. Allele origin: germline. Inheritance: Autosomal dominant inheritance.
Comment: Based on the classification scheme VCGS_Germline_v1.3.4, this variant is classified as Pathogenic. Following criteria are met: 0103 Dominant negative and loss of function are known mechanisms of disease in this gene and are associated with osteogenesis imperfect types I-IV, and other conditions (OMIM). Variants resulting in a truncated protein are known to have a loss of function effect on protein, while missense variants affecting the G-X-Y of a triple helix motif have a dominant negative effect (PMID:27509835, PMID:12362985). (I) 0107 - This gene is associated with autosomal dominant disease. (I) 0115 - Variants in this gene are known to have variable expressivity (GeneReviews). (I) 0200 - Variant is predicted to result in a missense amino acid change from glycine to serine. (I) 0251 - This variant is heterozygous. (I) 0301 - Variant is absent from gnomAD (both v2 and v3). (SP) 0501 - Missense variant consistently predicted to be damaging by multiple in silico tools or highly conserved with a major amino acid change. (SP) 0601 - Variant is located in the well-established functional collagen domain and is the glycine of the GXY in the triple helix motif (DECIPHER). (SP) 0801 - This variant has strong previous evidence of pathogenicity in unrelated individuals. It has been reported in multiple individuals with osteogenesis imperfecta with variable severity (ClinVar, PMID: 26712438). (SP) 1208 - Inheritance information for this variant is not currently available in this individual. (I) Legend: (SP) - Supporting pathogenic, (I) - Information, (SB) - Supporting benign

Kariminejad - Najmabadi Pathology & Genetics Center
Classification: Likely pathogenic for Abnormality of the skeletal system. Last evaluated: 2021-07-10. Review status: criteria provided, single submitter. Criteria: ACMG Guidelines, 2015. Collection method: clinical testing. Allele origin: germline. Affected: yes.

Genome Diagnostics Laboratory, The Hospital for Sick Children
Classification: Pathogenic for Osteogenesis imperfecta. Last evaluated: 2019-12-01. Review status: criteria provided, single submitter. Criteria: ACMG Guidelines, 2015. Collection method: clinical testing. Allele origin: germline.

ARUP Laboratories, Molecular Genetics and Genomics, ARUP Laboratories
Classification: Pathogenic. Last evaluated: 2017-10-19. Review status: criteria provided, single submitter. Criteria: ARUP Molecular Germline Variant Investigation Process. Collection method: clinical testing. Allele origin: germline.

Women's Health and Genetics/Laboratory Corporation of America, LabCorp
Classification: Pathogenic for Osteogenesis imperfecta. Last evaluated: 2017-07-06. Review status: criteria provided, single submitter. Criteria: LabCorp Variant Classification Summary - May 2015. Collection method: clinical testing. Allele origin: germline.
Comment: Variant summary: The COL1A1 c.3505G>A (p.Gly1169Ser) variant involves the alteration of a conserved critical nucleotide located in the collagen triple helix repeat (InterPro). 4/4 in silico tools predict a damaging outcome for this variant (SNPsandGO not captured due to low reliability index). This variant is absent in 110810 control chromosomes and has been reported in many affected individuals including a large Chinese pedigree with evidence of co-segregation. In addition, one other clinical diagnostic laboratory classified this variant as pathogenic. Taken together, this variant is classified as pathogenic.

Department of Medical Sciences, Uppsala University
Classification: Pathogenic for OI type I. Review status: no assertion criteria provided. Collection method: clinical testing. Allele origin: maternal, unknown. Affected: yes. Observed: 2 variant alleles. Not counted in ClinVar's aggregate classification.

Literature cited by the submitters: PubMed 26712438 (cited by 6 submitters); PubMed 17078022 (cited by 5 submitters); PubMed 26627451 (cited by 3 submitters); PubMed 28116328 (cited by 3 submitters); PubMed 22753364 (cited by 3billion and Molecular Genetics, Royal Melbourne Hospital); PubMed 26177859 (cited by Labcorp Genetics (formerly Invitae), Labcorp); PubMed 7695699 (cited by Labcorp Genetics (formerly Invitae), Labcorp); PubMed 8218237 (cited by Labcorp Genetics (formerly Invitae), Labcorp); PubMed 19344236 (cited by Labcorp Genetics (formerly Invitae), Labcorp); PubMed 9016532 (cited by Labcorp Genetics (formerly Invitae), Labcorp); PubMed 25944380 (cited by 3 submitters); PubMed 27510842 (cited by Mayo Clinic Laboratories, Mayo Clinic); PubMed 30886339 (cited by Mayo Clinic Laboratories, Mayo Clinic); PubMed 33772059 (cited by Mayo Clinic Laboratories, Mayo Clinic); PubMed 33942288 (cited by Mayo Clinic Laboratories, Mayo Clinic); PubMed 34902613 (cited by Mayo Clinic Laboratories, Mayo Clinic); PubMed 36709916 (cited by Mayo Clinic Laboratories, Mayo Clinic); PubMed 23443412 (cited by Molecular Genetics, Royal Melbourne Hospital); PubMed 12362985 (cited by Victorian Clinical Genetics Services, Murdoch Childrens Research Institute); PubMed 27509835 (cited by Victorian Clinical Genetics Services, Murdoch Childrens Research Institute).